The following is an entry in ClinVar:

NM_015338.6(ASXL1):c.4581T>A (p.Cys1527Ter)

Gene: ASXL1 (ASXL transcriptional regulator 1; plus strand). Cytogenetic location: 20q11.21.
Variant type: single nucleotide variant.
Coding change: c.4581T>A on transcript NM_015338.6 (MANE Select); coding-DNA position 4581, T replaced by A.
Protein change: p.Cys1527Ter; replaces cysteine 1527 with a stop codon.
Molecular consequence: nonsense.
Genome position (GRCh38, 1-based): chr20:32,437,293, T>A. VCF-style: chr20-32437293-T-A. GRCh37 (hg19) VCF-style: chr20-31025096-T-A.
Other names: c.4398T>A, p.Cys1466Ter (NM_001363734.1); short protein forms C1466*, C1527*.
Identifiers: ClinVar variation 3642709 (VCV003642709.2).
Genomic context (GRCh38, chr20:32,437,293, plus strand): 5'-GTGCAGCCTGAAAGCCATGATCATGTGCCAAGGCTGCGGTGCGTTCTGTCACGATGACTG[T>A]ATTGGACCCTCAAAGCTCTGTGTATTGTGCCTTGTGGTGAGATAATAAATTATGGCCATG-3'

ClinVar aggregate classification (germline): Uncertain significance (1 of 4 stars; one submission).

Submission:

Labcorp Genetics (formerly Invitae), Labcorp
Classification: Uncertain significance. Last evaluated: 2024-02-23. Review status: criteria provided, single submitter. Criteria: Invitae Variant Classification Sherloc (09022015). Collection method: clinical testing. Allele origin: germline.
Comment: This sequence change creates a premature translational stop signal (p.Cys1527*) in the ASXL1 gene. While this is not anticipated to result in nonsense mediated decay, it is expected to disrupt the last 15 amino acid(s) of the ASXL1 protein. This variant is not present in population databases (gnomAD no frequency). This variant has not been reported in the literature in individuals affected with ASXL1-related conditions. Experimental studies and prediction algorithms are not available or were not evaluated, and the functional significance of this variant is currently unknown. In summary, the available evidence is currently insufficient to determine the role of this variant in disease. Therefore, it has been classified as a Variant of Uncertain Significance.